The following is an entry in ClinVar:

ClinVar aggregate classification (germline): Uncertain significance (1 of 4 stars; one submission).

gnomAD v4.1: 2 of 1,614,122 alleles (0.00012%); highest among the groups gnomAD compares: South Asian, 0.0022%; no homozygotes.

Submission:

GeneDx
Classification: Uncertain significance. Last evaluated: 2025-07-20. Review status: criteria provided, single submitter. Criteria: GeneDx Variant Classification Process June 2021. Collection method: clinical testing. Allele origin: germline. Affected: yes.
Comment: In silico analysis suggests that this missense variant does not alter protein structure/function; Has not been previously published as pathogenic or benign to our knowledge

NM_001127208.3(TET2):c.1663C>G (p.Pro555Ala)

Genes: TET2 (tet methylcytosine dioxygenase 2; plus strand), TET2-AS1 (TET2 antisense RNA 1; minus strand). Cytogenetic location: 4q24.
Variant type: single nucleotide variant.
Coding change: c.1663C>G on transcript NM_001127208.3 (MANE Select); coding-DNA position 1663, C replaced by G.
Protein change: p.Pro555Ala; replaces proline 555 with alanine.
Molecular consequence: missense variant.
Genome position (GRCh38, 1-based): chr4:105,235,605, C>G. VCF-style: chr4-105235605-C-G. GRCh37 (hg19) VCF-style: chr4-106156762-C-G.
Other names: c.1663C>G, p.Pro555Ala (NM_017628.4); short protein forms P555A.
Identifiers: ClinVar variation 4686818 (VCV004686818.1).
Genomic context (GRCh38, chr4:105,235,605, plus strand): 5'-AACAAAGAGCAAGAGATTCTGAAGGGTCGAGACAAGGAGCAAACACGAGATCTTGTGCCC[C>G]CAACACAGCACTATCTGAAACCAGGATGGATTGAATTGAAGGCCCCTCGTTTTCACCAAG-3'
Protein context (NP_001120680.1, residues 545-565): DKEQTRDLVP[Pro555Ala]TQHYLKPGWI